The following is an entry in ClinVar:

NM_198123.2(CSMD3):c.9689-4G>T

Gene: CSMD3 (CUB and Sushi multiple domains 3; minus strand). Cytogenetic location: 8q23.3.
Variant type: single nucleotide variant.
Coding change: c.9689-4G>T on transcript NM_198123.2 (MANE Select); 4 bases into the intron before coding-DNA position 9689, G replaced by T.
Molecular consequence: intron variant.
Genome position (GRCh38, 1-based): chr8:112,263,816, C>A on the plus strand (G>T on the coding strand, the complement: CSMD3 is on the minus strand). VCF-style: chr8-112263816-C-A. GRCh37 (hg19) VCF-style: chr8-113276045-C-A.
Other names: c.9089-4G>T (NM_001363185.1); c.9182-4G>T (NM_052900.3); c.9569-4G>T (NM_198124.2).
Identifiers: ClinVar variation 3057178 (VCV003057178.2), dbSNP rs61753738, ClinGen allele CA4848607.

ClinVar aggregate classification (germline): Benign (0 of 4 stars; one submission).

Conditions:
CSMD3-related disorder. Also called: CSMD3-related condition.

Allele frequency attached by ClinVar (database versions not stated): gnomAD exomes 0.00325; ExAC 0.01106; gnomAD 0.03534; TOPMed 0.03999; ESP Exome Variant Server 0.04083; 1000 Genomes Project 0.04213; 1000 Genomes Project 30x 0.04403.
gnomAD v4.1: 10,347 of 1,612,824 alleles (0.64%); highest among the groups gnomAD compares: African/African-American, 12%; 602 homozygotes.

Submission:

PreventionGenetics, part of Exact Sciences
Classification: Benign for CSMD3-related condition. Last evaluated: 2020-01-24. Review status: no assertion criteria provided. Collection method: clinical testing. Allele origin: germline.
Comment: This variant is classified as benign based on ACMG/AMP sequence variant interpretation guidelines (Richards et al. 2015 PMID: 25741868, with internal and published modifications).